The following is an entry in ClinVar:

NM_001170629.2(CHD8):c.7522C>T (p.His2508Tyr)

Gene: CHD8 (chromodomain helicase DNA binding protein 8; minus strand). Cytogenetic location: 14q11.2.
Variant type: single nucleotide variant.
Coding change: c.7522C>T on transcript NM_001170629.2 (MANE Select); coding-DNA position 7522, C replaced by T.
Protein change: p.His2508Tyr; replaces histidine 2508 with tyrosine.
Molecular consequence: missense variant.
Genome position (GRCh38, 1-based): chr14:21,385,837, G>A on the plus strand (C>T on the coding strand, the complement: CHD8 is on the minus strand). VCF-style: chr14-21385837-G-A. GRCh37 (hg19) VCF-style: chr14-21853996-G-A.
Other names: c.6685C>T, p.His2229Tyr (NM_020920.4); short protein forms H2229Y, H2508Y.
Identifiers: ClinVar variation 1678275 (VCV001678275.4), dbSNP rs1887199443, ClinGen allele CA388874905.

ClinVar aggregate classification (germline): Uncertain significance. Review status: criteria provided, multiple submitters, no conflicts (2 of 4 stars). 2 submissions from 2 submitters: Uncertain significance (2). Last evaluated 2024-01-26.

Allele frequency attached by ClinVar (database versions not stated): gnomAD exomes below 0.00001.
gnomAD v4.1: 2 of 1,549,112 alleles (0.00013%); highest among the groups gnomAD compares: Admixed American, 0.0039%; no homozygotes.

Submissions (2):

Labcorp Genetics (formerly Invitae), Labcorp
Classification: Uncertain significance. Last evaluated: 2024-01-26. Review status: criteria provided, single submitter. Criteria: Invitae Variant Classification Sherloc (09022015). Collection method: clinical testing. Allele origin: germline.
Comment: This sequence change replaces histidine, which is basic and polar, with tyrosine, which is neutral and polar, at codon 2508 of the CHD8 protein (p.His2508Tyr). This variant is not present in population databases (gnomAD no frequency). This variant has not been reported in the literature in individuals affected with CHD8-related conditions. ClinVar contains an entry for this variant (Variation ID: 1678275). An algorithm developed to predict the effect of missense changes on protein structure and function (PolyPhen-2) suggests that this variant is likely to be tolerated. In summary, the available evidence is currently insufficient to determine the role of this variant in disease. Therefore, it has been classified as a Variant of Uncertain Significance.

AiLife Diagnostics
Classification: Uncertain significance. Last evaluated: 2020-07-08. Review status: criteria provided, single submitter. Criteria: ACMG Guidelines, 2015. Collection method: clinical testing. Allele origin: germline. Affected: yes. Observed: 1 variant allele.